The following is an entry in ClinVar:

ClinVar aggregate classification (germline): Likely benign (1 of 4 stars; one submission).

gnomAD v4.1: 116 of 1,614,078 alleles (0.0072%); highest among the groups gnomAD compares: Middle Eastern, 0.033%; no homozygotes.

Submission:

CeGaT Center for Human Genetics Tuebingen
Classification: Likely benign. Last evaluated: 2025-03-01. Review status: criteria provided, single submitter. Criteria: CeGaT Center For Human Genetics Tuebingen Variant Classification Criteria Version 2. Collection method: clinical testing. Allele origin: germline. Affected: yes. Observed: 1 variant allele.
Comment: PLXND1: BP4, BP7

NM_015103.3(PLXND1):c.4425C>T (p.Ala1475=)

Gene: PLXND1 (plexin D1; minus strand). Cytogenetic location: 3q22.1.
Variant type: single nucleotide variant.
Coding change: c.4425C>T on transcript NM_015103.3 (MANE Select); coding-DNA position 4425, C replaced by T.
Protein change: p.Ala1475=; no amino-acid change (alanine 1475 retained).
Molecular consequence: synonymous variant.
Genome position (GRCh38, 1-based): chr3:129,565,436, G>A on the plus strand (C>T on the coding strand, the complement: PLXND1 is on the minus strand). VCF-style: chr3-129565436-G-A. GRCh37 (hg19) VCF-style: chr3-129284279-G-A.
Identifiers: ClinVar variation 3777936 (VCV003777936.7).